The following is an entry in ClinVar:

ClinVar aggregate classification (germline): Uncertain significance (1 of 4 stars; one submission).

Conditions:
RASopathy. Also called: Noonan spectrum disorder; rasopathies. Identifiers: Orphanet 536391, MedGen C5555857, MONDO:0021060.

Allele frequency attached by ClinVar (database versions not stated): gnomAD exomes below 0.00001; ExAC 0.00001.

Submission:

Labcorp Genetics (formerly Invitae), Labcorp
Classification: Uncertain significance for RASopathy. Last evaluated: 2019-07-09. Review status: criteria provided, single submitter. Criteria: Invitae Variant Classification Sherloc (09022015). Collection method: clinical testing. Allele origin: germline.
Comment: This sequence change replaces lysine with arginine at codon 87 of the RAF1 protein (p.Lys87Arg). The lysine residue is highly conserved and there is a small physicochemical difference between lysine and arginine. This variant is present in population databases (rs763666757, ExAC 0.006%). This variant has not been reported in the literature in individuals with RAF1-related conditions. Algorithms developed to predict the effect of missense changes on protein structure and function are either unavailable or do not agree on the potential impact of this missense change (SIFT: "Deleterious"; PolyPhen-2: "Benign"; Align-GVGD: "Class C25"). In summary, the available evidence is currently insufficient to determine the role of this variant in disease. Therefore, it has been classified as a Variant of Uncertain Significance.

NM_002880.4(RAF1):c.260A>G (p.Lys87Arg)

Gene: RAF1 (Raf-1 proto-oncogene, serine/threonine kinase; minus strand). Cytogenetic location: 3p25.2.
Variant type: single nucleotide variant.
Coding change: c.260A>G on transcript NM_002880.4 (MANE Select); coding-DNA position 260, A replaced by G.
Protein change: p.Lys87Arg; replaces lysine 87 with arginine.
Molecular consequence: missense variant. On other transcripts: non-coding transcript variant (3), intron variant (4).
Genome position (GRCh38, 1-based): chr3:12,612,010, T>C on the plus strand (A>G on the coding strand, the complement: RAF1 is on the minus strand). VCF-style: chr3-12612010-T-C. GRCh37 (hg19) VCF-style: chr3-12653509-T-C.
Other names: c.260A>G, p.Lys87Arg (NM_001354689.3, NM_001354690.3, NM_001354693.3); c.78-2675A>G (NM_001354695.3, NM_001354692.3, NM_001354694.3 and 1 more transcripts); short protein forms K87R.
Identifiers: ClinVar variation 940992 (VCV000940992.9), dbSNP rs763666757, ClinGen allele CA2259802.